The following is an entry in ClinVar:

ClinVar aggregate classification (germline): Uncertain significance (1 of 4 stars; one submission).

Conditions:
Bethlem myopathy 1A. Also called: Bethlem Muscular Dystrophy; Bethlem myopathy 1; MYOPATHY, BENIGN CONGENITAL, WITH CONTRACTURES. Identifiers: Orphanet 610, MedGen CN029274, MONDO:0024530, OMIM 158810.

Allele frequency attached by ClinVar (database versions not stated): gnomAD exomes below 0.00001; gnomAD 0.00001; TOPMed 0.00001.
gnomAD v4.1: 1 of 1,613,560 alleles (0.000062%); highest among the groups gnomAD compares: Non-Finnish European, 0.000085%; no homozygotes.

Submission:

Labcorp Genetics (formerly Invitae), Labcorp
Classification: Uncertain significance for Bethlem myopathy 1A. Last evaluated: 2024-04-05. Review status: criteria provided, single submitter. Criteria: Invitae Variant Classification Sherloc (09022015). Collection method: clinical testing. Allele origin: germline.
Comment: This sequence change replaces tyrosine, which is neutral and polar, with cysteine, which is neutral and slightly polar, at codon 243 of the COL6A2 protein (p.Tyr243Cys). This variant is present in population databases (no rsID available, gnomAD 0.0009%). This variant has not been reported in the literature in individuals affected with COL6A2-related conditions. ClinVar contains an entry for this variant (Variation ID: 951525). Advanced modeling of protein sequence and biophysical properties (such as structural, functional, and spatial information, amino acid conservation, physicochemical variation, residue mobility, and thermodynamic stability) performed at Invitae indicates that this missense variant is expected to disrupt COL6A2 protein function with a positive predictive value of 80%. In summary, the available evidence is currently insufficient to determine the role of this variant in disease. Therefore, it has been classified as a Variant of Uncertain Significance.

NM_001849.4(COL6A2):c.728A>G (p.Tyr243Cys)

Gene: COL6A2 (collagen type VI alpha 2 chain; plus strand). Cytogenetic location: 21q22.3.
Variant type: single nucleotide variant.
Coding change: c.728A>G on transcript NM_001849.4 (MANE Select); coding-DNA position 728, A replaced by G.
Protein change: p.Tyr243Cys; replaces tyrosine 243 with cysteine.
Molecular consequence: missense variant.
Genome position (GRCh38, 1-based): chr21:46,112,817, A>G. VCF-style: chr21-46112817-A-G. GRCh37 (hg19) VCF-style: chr21-47532731-A-G.
Other names: c.728A>G, p.Tyr243Cys (NM_058174.3, NM_058175.3); short protein forms Y243C.
Identifiers: ClinVar variation 951525 (VCV000951525.10), dbSNP rs1159588931, ClinGen allele CA410523290.
Genomic context (GRCh38, chr21:46,112,817, plus strand): 5'-CAGGTCTCGAGGCACACGGCTAACCAGCATGTCTGTCTTTTCTGCAGAAACACGAAGCCT[A>G]CGGAGAGGTGAGTGGCGCTTCCCTTCCTGCCAGTGCTGGCCGGCAGCTGACCCAGCAGAG-3'
Protein context (NP_001840.3, residues 233-253): RIIKVMKHEA[Tyr243Cys]GECYKVSCLE